The following is an entry in ClinVar:

NM_206933.4(USH2A):c.15002A>C (p.Glu5001Ala)

Gene: USH2A (usherin; minus strand). Cytogenetic location: 1q41.
Variant type: single nucleotide variant.
Coding change: c.15002A>C on transcript NM_206933.4 (MANE Select); coding-DNA position 15002, A replaced by C.
Protein change: p.Glu5001Ala; replaces glutamic acid 5001 with alanine.
Molecular consequence: missense variant.
Genome position (GRCh38, 1-based): chr1:215,639,205, T>G on the plus strand (A>C on the coding strand, the complement: USH2A is on the minus strand). VCF-style: chr1-215639205-T-G. GRCh37 (hg19) VCF-style: chr1-215812547-T-G.
Other names: short protein forms E5001A.
Identifiers: ClinVar variation 929929 (VCV000929929.4), dbSNP rs1558033265, ClinGen allele CA344826577.
Genomic context (GRCh38, chr1:215,639,205, plus strand): 5'-AGTTGTTTACCAAGTCCAGTAGAGGTATCATATTGGATCAACGGCGTCTTAACACTTCCT[T>G]CGTCAGTCGTGCAGATGACCTGGAAAAAGAAGGCTAGACAAAAGGAAGAACTGGTAAATG-3'
Protein context (NP_996816.3, residues 4991-5011): FFFQVICTTD[Glu5001Ala]GSVKTPLIQY

ClinVar aggregate classification (germline): Uncertain significance (1 of 4 stars; one submission).

Allele frequency attached by ClinVar (database versions not stated): gnomAD exomes below 0.00001.
gnomAD v4.1: 5 of 1,614,148 alleles (0.00031%); highest among the groups gnomAD compares: Non-Finnish European, 0.00042%; no homozygotes.

Submission:

Laboratory for Molecular Medicine, Mass General Brigham Personalized Medicine
Classification: Uncertain significance. Last evaluated: 2019-06-21. Review status: criteria provided, single submitter. Criteria: LMM Criteria. Collection method: clinical testing. Allele origin: germline. Observed: 1 variant allele.
Comment: The p.Glu5001Ala variant in USH2A has not been previously reported in individuals with Usher syndrome or hearing loss, but has been identified in 0.0008% (1/113686) of European chromosomes by gnomAD. Computational prediction tools and conservation analysis suggest that this variant may not impact the protein, though this information is not predictive enough to rule out pathogenicity. In summary, the clinical significance of this variant is uncertain. ACMG/AMP Criteria applied: PM2, BP4.